The following is an entry in ClinVar:

ClinVar aggregate classification (germline): Conflicting classifications of pathogenicity. Review status: criteria provided, conflicting classifications (1 of 4 stars). 2 submissions from 2 submitters: Uncertain significance (1); Benign (1). Last evaluated 2022-01-01.

Conditions:
Ovarian cancer. Also called: OVARIAN CANCER, SOMATIC. Identifiers: Orphanet 213500, MedGen C1140680, MONDO:0008170, OMIM 167000.
Bloom syndrome (BLM). Also called: Bloom-Torre-Machacek syndrome. Identifiers: Orphanet 125, MedGen C0005859, MONDO:0008876, OMIM 210900.

Allele frequency attached by ClinVar (database versions not stated): gnomAD exomes below 0.00001.
gnomAD v4.1: 1 of 1,533,922 alleles (0.000065%); highest among the groups gnomAD compares: Non-Finnish European, 0.000087%; no homozygotes.

Submissions (2):

Laboratory of Molecular Epidemiology of Birth Defects, West China Second University Hospital, Sichuan University
Classification: Benign for Ovarian cancer. Last evaluated: 2022-01-01. Review status: criteria provided, single submitter. Criteria: ACMG Guidelines, 2015. Collection method: clinical testing. Allele origin: germline. Affected: yes.

Labcorp Genetics (formerly Invitae), Labcorp
Classification: Uncertain significance for Bloom syndrome. Last evaluated: 2021-08-28. Review status: criteria provided, single submitter. Criteria: Invitae Variant Classification Sherloc (09022015). Collection method: clinical testing. Allele origin: germline.
Comment: This sequence change replaces glutamine with arginine at codon 615 of the BLM protein (p.Gln615Arg). The glutamine residue is weakly conserved and there is a small physicochemical difference between glutamine and arginine. This variant is not present in population databases (ExAC no frequency). This variant has not been reported in the literature in individuals affected with BLM-related conditions. Algorithms developed to predict the effect of missense changes on protein structure and function (SIFT, PolyPhen-2, Align-GVGD) all suggest that this variant is likely to be tolerated. In summary, the available evidence is currently insufficient to determine the role of this variant in disease. Therefore, it has been classified as a Variant of Uncertain Significance.

NM_000057.4(BLM):c.1844A>G (p.Gln615Arg)

Gene: BLM (BLM RecQ like helicase; plus strand). Cytogenetic location: 15q26.1.
Variant type: single nucleotide variant.
Coding change: c.1844A>G on transcript NM_000057.4 (MANE Select); coding-DNA position 1844, A replaced by G.
Protein change: p.Gln615Arg; replaces glutamine 615 with arginine.
Molecular consequence: missense variant.
Genome position (GRCh38, 1-based): chr15:90,761,217, A>G. VCF-style: chr15-90761217-A-G. GRCh37 (hg19) VCF-style: chr15-91304447-A-G.
Other names: c.1844A>G, p.Gln615Arg (NM_001287246.2, NM_001287247.2); c.719A>G, p.Gln240Arg (NM_001287248.2); c.1844A>G (NM_000057.3); short protein forms Q240R, Q615R.
Identifiers: ClinVar variation 1045092 (VCV001045092.7), dbSNP rs1895978967, ClinGen allele CA393843961.